The following is an entry in ClinVar:

ClinVar aggregate classification (germline): Uncertain significance (1 of 4 stars; one submission).

Conditions:
Kabuki syndrome. Also called: NIIKAWA-KUROKI SYNDROME; Kabuki make-up syndrome. Identifiers: Orphanet 2322, MedGen C0796004, MONDO:0016512.

Submission:

Labcorp Genetics (formerly Invitae), Labcorp
Classification: Uncertain significance for Kabuki syndrome. Last evaluated: 2025-02-24. Review status: criteria provided, single submitter. Criteria: Invitae Variant Classification Sherloc (09022015). Collection method: clinical testing. Allele origin: germline.
Comment: This sequence change replaces leucine, which is neutral and non-polar, with phenylalanine, which is neutral and non-polar, at codon 4990 of the KMT2D protein (p.Leu4990Phe). This variant is not present in population databases (gnomAD no frequency). This variant has not been reported in the literature in individuals affected with KMT2D-related conditions. Invitae Evidence Modeling of protein sequence and biophysical properties (such as structural, functional, and spatial information, amino acid conservation, physicochemical variation, residue mobility, and thermodynamic stability) has been performed for this missense variant. However, the output from this modeling did not meet the statistical confidence thresholds required to predict the impact of this variant on KMT2D protein function. In summary, the available evidence is currently insufficient to determine the role of this variant in disease. Therefore, it has been classified as a Variant of Uncertain Significance.

NM_003482.4(KMT2D):c.14968C>T (p.Leu4990Phe)

Gene: KMT2D (lysine methyltransferase 2D; minus strand). Cytogenetic location: 12q13.12.
Variant type: single nucleotide variant.
Coding change: c.14968C>T on transcript NM_003482.4 (MANE Select); coding-DNA position 14968, C replaced by T.
Protein change: p.Leu4990Phe; replaces leucine 4990 with phenylalanine.
Molecular consequence: missense variant.
Genome position (GRCh38, 1-based): chr12:49,026,998, G>A on the plus strand (C>T on the coding strand, the complement: KMT2D is on the minus strand). VCF-style: chr12-49026998-G-A. GRCh37 (hg19) VCF-style: chr12-49420781-G-A.
Other names: short protein forms L4990F.
Identifiers: ClinVar variation 4801179 (VCV004801179.1).
Genomic context (GRCh38, chr12:49,026,998, plus strand): 5'-CCACTTCCCGCTCATCCTCCTGCCGCCCACTGCCCTTCTGGATGGTCAGCAGCAGCCGAA[G>A]CCGCTTCCAGCGCACTCCTTTCCATTTCTTGAGGCGAGGAGGACGGGAATCTTCACCTTC-3'
Protein context (NP_003473.3, residues 4980-5000): KKWKGVRWKR[Leu4990Phe]RLLLTIQKGS